The following is an entry in ClinVar:

ClinVar aggregate classification (germline): Uncertain significance (1 of 4 stars; one submission).

Conditions:
Hereditary spastic paraplegia 75. Also called: Spastic paraplegia 75, autosomal recessive. Identifiers: Orphanet 459056, MedGen C4225250, MONDO:0014729, OMIM 616680.

gnomAD v4.1: 39 of 1,613,766 alleles (0.0024%); highest among the groups gnomAD compares: Middle Eastern, 0.016%; no homozygotes.

Submission:

Labcorp Genetics (formerly Invitae), Labcorp
Classification: Uncertain significance for Hereditary spastic paraplegia 75. Last evaluated: 2024-11-11. Review status: criteria provided, single submitter. Criteria: Invitae Variant Classification Sherloc (09022015). Collection method: clinical testing. Allele origin: germline.
Comment: This sequence change replaces serine, which is neutral and polar, with leucine, which is neutral and non-polar, at codon 463 of the MAG protein (p.Ser463Leu). The frequency data for this variant in the population databases is considered unreliable, as metrics indicate poor data quality at this position in the gnomAD database. This variant has not been reported in the literature in individuals affected with MAG-related conditions. Invitae Evidence Modeling of protein sequence and biophysical properties (such as structural, functional, and spatial information, amino acid conservation, physicochemical variation, residue mobility, and thermodynamic stability) indicates that this missense variant is not expected to disrupt MAG protein function with a negative predictive value of 80%. In summary, the available evidence is currently insufficient to determine the role of this variant in disease. Therefore, it has been classified as a Variant of Uncertain Significance.

NM_002361.4(MAG):c.1388C>T (p.Ser463Leu)

Gene: MAG (myelin associated glycoprotein; plus strand). Cytogenetic location: 19q13.12.
Variant type: single nucleotide variant.
Coding change: c.1388C>T on transcript NM_002361.4 (MANE Select); coding-DNA position 1388, C replaced by T.
Protein change: p.Ser463Leu; replaces serine 463 with leucine.
Molecular consequence: missense variant.
Genome position (GRCh38, 1-based): chr19:35,310,030, C>T. VCF-style: chr19-35310030-C-T. GRCh37 (hg19) VCF-style: chr19-35800933-C-T.
Other names: c.1313C>T, p.Ser438Leu (NM_001199216.2); c.1388C>T, p.Ser463Leu (NM_080600.3); short protein forms S463L, S438L.
Identifiers: ClinVar variation 3635126 (VCV003635126.2).